The following is an entry in ClinVar:

ClinVar aggregate classification (germline): Uncertain significance (1 of 4 stars; one submission).

Conditions:
Bethlem myopathy 1A. Also called: MYOPATHY, BENIGN CONGENITAL, WITH CONTRACTURES; Bethlem myopathy 1; Bethlem Muscular Dystrophy. Identifiers: Orphanet 610, MedGen CN029274, MONDO:0024530, OMIM 158810.

Allele frequency attached by ClinVar (database versions not stated): TOPMed below 0.00001; gnomAD 0.00001; gnomAD exomes 0.00002; ExAC 0.00005.
gnomAD v4.1: 35 of 1,613,346 alleles (0.0022%); highest among the groups gnomAD compares: South Asian, 0.036%; no homozygotes.

Submission:

Labcorp Genetics (formerly Invitae), Labcorp
Classification: Uncertain significance for Bethlem myopathy 1A. Last evaluated: 2022-09-14. Review status: criteria provided, single submitter. Criteria: Invitae Variant Classification Sherloc (09022015). Collection method: clinical testing. Allele origin: germline.
Comment: This variant is present in population databases (rs769528364, gnomAD 0.04%). This variant has not been reported in the literature in individuals affected with COL6A2-related conditions. Advanced modeling of protein sequence and biophysical properties (such as structural, functional, and spatial information, amino acid conservation, physicochemical variation, residue mobility, and thermodynamic stability) performed at Invitae indicates that this missense variant is not expected to disrupt COL6A2 protein function. In summary, the available evidence is currently insufficient to determine the role of this variant in disease. Therefore, it has been classified as a Variant of Uncertain Significance. This sequence change replaces glycine, which is neutral and non-polar, with aspartic acid, which is acidic and polar, at codon 538 of the COL6A2 protein (p.Gly538Asp).

NM_001849.4(COL6A2):c.1613G>A (p.Gly538Asp)

Gene: COL6A2 (collagen type VI alpha 2 chain; plus strand). Cytogenetic location: 21q22.3.
Variant type: single nucleotide variant.
Coding change: c.1613G>A on transcript NM_001849.4 (MANE Select); coding-DNA position 1613, G replaced by A.
Protein change: p.Gly538Asp; replaces glycine 538 with aspartic acid.
Molecular consequence: missense variant.
Genome position (GRCh38, 1-based): chr21:46,122,879, G>A. VCF-style: chr21-46122879-G-A. GRCh37 (hg19) VCF-style: chr21-47542793-G-A.
Other names: c.1613G>A, p.Gly538Asp (NM_058174.3, NM_058175.3); short protein forms G538D.
Identifiers: ClinVar variation 1979103 (VCV001979103.4), dbSNP rs769528364, ClinGen allele CA10072063.